The following is an entry in ClinVar:

NM_000038.6(APC):c.2582G>C (p.Gly861Ala)

Gene: APC (APC regulator of Wnt signaling pathway; plus strand). Cytogenetic location: 5q22.2.
Variant type: single nucleotide variant.
Coding change: c.2582G>C on transcript NM_000038.6 (MANE Select); coding-DNA position 2582, G replaced by C.
Protein change: p.Gly861Ala; replaces glycine 861 with alanine.
Molecular consequence: missense variant. On other transcripts: non-coding transcript variant (2).
Genome position (GRCh38, 1-based): chr5:112,838,176, G>C. VCF-style: chr5-112838176-G-C. GRCh37 (hg19) VCF-style: chr5-112173873-G-C.
Other names: c.2582G>C, p.Gly861Ala (NM_001127510.3, NM_001354895.2, NM_001407450.1); c.2528G>C, p.Gly843Ala (NM_001127511.3); c.2612G>C, p.Gly871Ala (NM_001354897.2); c.2459G>C, p.Gly820Ala (NM_001354900.2); c.2498G>C, p.Gly833Ala (NM_001354899.2); c.2507G>C, p.Gly836Ala (NM_001354898.2); c.2636G>C, p.Gly879Ala (NM_001354896.2, NM_001407447.1, NM_001407448.1 and 1 more transcripts); c.2405G>C, p.Gly802Ala (NM_001354901.2, NM_001407453.1); and 11 more; short protein forms G578A, G820A, G851A, G871A, G879A, G889A, G770A, G802A.
Identifiers: ClinVar variation 3635429 (VCV003635429.2).

ClinVar aggregate classification (germline): Uncertain significance (1 of 4 stars; one submission).

Conditions:
Familial adenomatous polyposis 1 (FAP1). Also called: FAMILIAL ADENOMATOUS POLYPOSIS 1, ATTENUATED; POLYPOSIS, ADENOMATOUS INTESTINAL. Identifiers: MedGen C2713442, MONDO:0021056, OMIM 175100. Disease mechanism: loss of function.

Submission:

Labcorp Genetics (formerly Invitae), Labcorp
Classification: Uncertain significance for Familial adenomatous polyposis 1. Last evaluated: 2024-06-04. Review status: criteria provided, single submitter. Criteria: Invitae Variant Classification Sherloc (09022015). Collection method: clinical testing. Allele origin: germline.
Comment: This sequence change replaces glycine, which is neutral and non-polar, with alanine, which is neutral and non-polar, at codon 861 of the APC protein (p.Gly861Ala). This variant is not present in population databases (gnomAD no frequency). This variant has not been reported in the literature in individuals affected with APC-related conditions. Advanced modeling of protein sequence and biophysical properties (such as structural, functional, and spatial information, amino acid conservation, physicochemical variation, residue mobility, and thermodynamic stability) performed at Invitae indicates that this missense variant is not expected to disrupt APC protein function with a negative predictive value of 95%. In summary, the available evidence is currently insufficient to determine the role of this variant in disease. Therefore, it has been classified as a Variant of Uncertain Significance.